The following is an entry in ClinVar:

ClinVar aggregate classification (germline): Likely benign (1 of 4 stars; one submission).

gnomAD v4.1: 3 of 1,613,168 alleles (0.00019%); no homozygotes.

Submission:

Laboratory for Molecular Medicine, Mass General Brigham Personalized Medicine
Classification: Likely benign. Last evaluated: 2014-12-31. Review status: criteria provided, single submitter. Criteria: LMM Criteria. Collection method: clinical testing. Allele origin: germline. Observed: 1 variant allele.
Comment: p.Cys4831Cys in exon 46 of TTN: This variant is not expected to have clinical si gnificance because it does not alter an amino acid residue and is not located wi thin the splice consensus sequence.

NM_133379.5(TTN):c.14493C>T (p.Cys4831=)

Genes: TTN (titin; minus strand), LOC126806432 (CDK7 strongly-dependent group 2 enhancer GRCh37_chr2:179611985-179613184; plus strand). Cytogenetic location: 2q31.2.
Variant type: single nucleotide variant.
Coding change: c.14493C>T on transcript NM_133379.5 (MANE Plus Clinical); coding-DNA position 14493, C replaced by T.
Protein change: p.Cys4831=; no amino-acid change (cysteine 4831 retained).
Molecular consequence: synonymous variant. On other transcripts: intron variant (6).
Genome position (GRCh38, 1-based): chr2:178,747,907, G>A on the plus strand (C>T on the coding strand, the complement: TTN is on the minus strand). VCF-style: chr2-178747907-G-A. GRCh37 (hg19) VCF-style: chr2-179612634-G-A.
Other names: c.10222+5217C>T (NM_003319.4); c.10798+5217C>T (NM_133437.4); c.10597+5217C>T (NM_133432.3); c.10360+5217C>T (NM_133378.4, NM_001256850.1); c.11311+5217C>T (NM_001267550.2).
Identifiers: ClinVar variation 228185 (VCV000228185.5), dbSNP rs876657620, ClinGen allele CA10576565.